The following is an entry in ClinVar:

ClinVar aggregate classification (germline): Uncertain significance (1 of 4 stars; one submission).

Conditions:
Malignant hyperthermia, susceptibility to, 1 (MHS1). Also called: RYR1-Related Malignant Hyperthermia Susceptibility; Anesthesia related hyperthermia; Malignant hyperpyrexia; Fulminating hyperpyrexia; Pharmacogenic myopathy; Malignant hyperthermia suceptibility 1. Identifiers: Orphanet 423, MedGen C2930980, MONDO:0007783, OMIM 145600.

Allele frequency attached by ClinVar (database versions not stated): gnomAD exomes below 0.00001; gnomAD 0.00001; TOPMed 0.00001; ExAC 0.00002.

Submission:

All of Us Research Program, National Institutes of Health
Classification: Uncertain significance for Malignant hyperthermia, susceptibility to, 1. Last evaluated: 2024-08-23. Review status: criteria provided, single submitter. Criteria: ACMG Guidelines, 2015. Collection method: clinical testing. Allele origin: germline. Inheritance: Autosomal dominant inheritance. Observed: 4 variant alleles, 4 heterozygotes.
Comment: This missense variant replaces arginine with cysteine at codon 1231 of the RYR1 protein. Computational prediction suggests that this variant may have deleterious impact on protein structure and function (internally defined REVEL score threshold >= 0.7, PMID: 27666373). To our knowledge, functional studies have not been reported for this variant. This variant has not been reported in individuals affected with RYR1-related disorders in the literature. This variant has been identified in 3/251252 chromosomes in the general population by the Genome Aggregation Database (gnomAD). The available evidence is insufficient to determine the role of this variant in disease conclusively. Therefore, this variant is classified as a Variant of Uncertain Significance.

This study involves interpretation of variants in research participants for the purpose of population health screening. Participant phenotype was not available at the time of variant classification. Additional details can be found in publication PMID: 35346344, PMCID: PMC8962531

NM_000540.3(RYR1):c.3691C>T (p.Arg1231Cys)

Gene: RYR1 (ryanodine receptor 1; plus strand). Cytogenetic location: 19q13.2.
Variant type: single nucleotide variant.
Coding change: c.3691C>T on transcript NM_000540.3 (MANE Select); coding-DNA position 3691, C replaced by T.
Protein change: p.Arg1231Cys; replaces arginine 1231 with cysteine.
Molecular consequence: missense variant.
Genome position (GRCh38, 1-based): chr19:38,469,439, C>T. VCF-style: chr19-38469439-C-T. GRCh37 (hg19) VCF-style: chr19-38960079-C-T.
Other names: c.3691C>T, p.Arg1231Cys (NM_001042723.2); short protein forms R1231C.
Identifiers: ClinVar variation 3069712 (VCV003069712.2), dbSNP rs756174421, ClinGen allele CA065090.